The following is an entry in ClinVar:

NM_032638.5(GATA2):c.202del (p.Ala68fs)

Gene: GATA2 (GATA binding protein 2; minus strand). Cytogenetic location: 3q21.3.
Variant type: Deletion.
Coding change: c.202del on transcript NM_032638.5 (MANE Select); coding-DNA position 202, one base deleted (G; older notation c.202delG).
Protein change: p.Ala68fs; shifts the reading frame from alanine 68.
Molecular consequence: frameshift variant.
Genome position (GRCh38, 1-based): chr3:128,486,830, C deleted on the plus strand (G on the coding strand, the reverse complement: GATA2 is on the minus strand); the first of 3 consecutive C bases (chr3:128,486,830-128,486,832); deleting any one gives the same sequence. VCF-style (leftmost placement, unchanged base first): chr3-128486829-GC-G. GRCh37 (hg19) VCF-style: chr3-128205672-GC-G.
Other names: c.202del, p.Ala68fs (NM_001145661.2, NM_001145662.1); short protein forms A68fs.
Identifiers: ClinVar variation 2011606 (VCV002011606.4), dbSNP rs2472934198, ClinGen allele CA2580068688.

ClinVar aggregate classification (germline): Pathogenic (1 of 4 stars; one submission).

Conditions:
Deafness-lymphedema-leukemia syndrome. Also called: Emberger syndrome; Lymphedema, primary, with myelodysplasia. Identifiers: Orphanet 3226, MedGen C3279664, MONDO:0013540, OMIM 614038.
Monocytopenia with susceptibility to infections. Also called: MONOCYTOPENIA AND MYCOBACTERIAL INFECTION SYNDROME; MONOCYTOPENIA WITH SUSCEPTIBILITY TO MYCOBACTERIAL, FUNGAL, AND PAPILLOMAVIRUS INFECTIONS AND MYELODYSPLASIA; COMBINED IMMUNODEFICIENCY WITH SUSCEPTIBILITY TO MYCOBACTERIAL, VIRAL, AND FUNGAL INFECTIONS; Dendritic cell, monocyte, B lymphocyte, and natural killer lymphocyte deficiency; IMMUNODEFICIENCY 21; GATA2 DEFICIENCY. Identifiers: Orphanet 228423, MedGen C3280030, MONDO:0013607, OMIM 614172.

Submission:

Labcorp Genetics (formerly Invitae), Labcorp
Classification: Pathogenic for Monocytopenia with susceptibility to infections; Deafness-lymphedema-leukemia syndrome. Last evaluated: 2022-06-27. Review status: criteria provided, single submitter. Criteria: Invitae Variant Classification Sherloc (09022015). Collection method: clinical testing. Allele origin: germline.
Comment: For these reasons, this variant has been classified as Pathogenic. This variant has not been reported in the literature in individuals affected with GATA2-related conditions. This variant is not present in population databases (gnomAD no frequency). This sequence change creates a premature translational stop signal (p.Ala68Argfs*12) in the GATA2 gene. It is expected to result in an absent or disrupted protein product. Loss-of-function variants in GATA2 are known to be pathogenic (PMID: 21670465, 23223431).

Literature cited by the submitters: PubMed 21670465; PubMed 23223431.